The following is an entry in ClinVar:

ClinVar aggregate classification (germline): Uncertain significance. Review status: criteria provided, multiple submitters, no conflicts (2 of 4 stars). 2 submissions from 2 submitters: Uncertain significance (2). Last evaluated 2025-03-03.

Allele frequency attached by ClinVar (database versions not stated): TOPMed 0.00001; gnomAD 0.00003; gnomAD exomes 0.00004; ExAC 0.00007; 1000 Genomes Project 30x 0.00016; 1000 Genomes Project 0.00020.
gnomAD v4.1: 58 of 1,613,624 alleles (0.0036%); highest among the groups gnomAD compares: South Asian, 0.059%; 1 homozygote.

Submissions (2):

Ambry Genetics
Classification: Uncertain significance. Last evaluated: 2025-03-03. Review status: criteria provided, single submitter. Criteria: Ambry Variant Classification Scheme 2023. Collection method: clinical testing. Allele origin: germline.

Labcorp Genetics (formerly Invitae), Labcorp
Classification: Uncertain significance. Last evaluated: 2024-10-17. Review status: criteria provided, single submitter. Criteria: Invitae Variant Classification Sherloc (09022015). Collection method: clinical testing. Allele origin: germline.
Comment: This sequence change replaces isoleucine, which is neutral and non-polar, with threonine, which is neutral and polar, at codon 489 of the ADGRA3 protein (p.Ile489Thr). This variant is present in population databases (rs569186866, gnomAD 0.04%). This variant has not been reported in the literature in individuals affected with ADGRA3-related conditions. ClinVar contains an entry for this variant (Variation ID: 1920054). An algorithm developed to predict the effect of missense changes on protein structure and function (PolyPhen-2) suggests that this variant is likely to be tolerated. In summary, the available evidence is currently insufficient to determine the role of this variant in disease. Therefore, it has been classified as a Variant of Uncertain Significance.

NM_145290.4(ADGRA3):c.1466T>C (p.Ile489Thr)

Gene: ADGRA3 (adhesion G protein-coupled receptor A3; minus strand). Cytogenetic location: 4p15.2.
Variant type: single nucleotide variant.
Coding change: c.1466T>C on transcript NM_145290.4 (MANE Select); coding-DNA position 1466, T replaced by C.
Protein change: p.Ile489Thr; replaces isoleucine 489 with threonine.
Molecular consequence: missense variant.
Genome position (GRCh38, 1-based): chr4:22,424,330, A>G on the plus strand (T>C on the coding strand, the complement: ADGRA3 is on the minus strand). VCF-style: chr4-22424330-A-G. GRCh37 (hg19) VCF-style: chr4-22425953-A-G.
Other names: c.1466T>C (NM_145290.2); short protein forms I489T.
Identifiers: ClinVar variation 1920054 (VCV001920054.6), dbSNP rs569186866, ClinGen allele CA2873941.